The following is an entry in ClinVar:

ClinVar aggregate classification (germline): Uncertain significance (1 of 4 stars; one submission).

Conditions:
Fanconi anemia complementation group O. Also called: RAD51C-Related Fanconi Anemia. Identifiers: Orphanet 84, MedGen C3150653, MONDO:0013248, OMIM 613390.

Submission:

Labcorp Genetics (formerly Invitae), Labcorp
Classification: Uncertain significance for Fanconi anemia complementation group O. Last evaluated: 2023-10-03. Review status: criteria provided, single submitter. Criteria: Invitae Variant Classification Sherloc (09022015). Collection method: clinical testing. Allele origin: germline.
Comment: This sequence change replaces threonine, which is neutral and polar, with lysine, which is basic and polar, at codon 86 of the RAD51C protein (p.Thr86Lys). This variant is not present in population databases (gnomAD no frequency). This missense change has been observed in individual(s) with colorectal cancer (PMID: 28135145). Advanced modeling of protein sequence and biophysical properties (such as structural, functional, and spatial information, amino acid conservation, physicochemical variation, residue mobility, and thermodynamic stability) performed at Invitae indicates that this missense variant is not expected to disrupt RAD51C protein function. In summary, the available evidence is currently insufficient to determine the role of this variant in disease. Therefore, it has been classified as a Variant of Uncertain Significance.

Literature cited by the submitters: PubMed 28135145.

NM_058216.3(RAD51C):c.257C>A (p.Thr86Lys)

Gene: RAD51C (RAD51 paralog C; plus strand). Cytogenetic location: 17q22.
Variant type: single nucleotide variant.
Coding change: c.257C>A on transcript NM_058216.3 (MANE Select); coding-DNA position 257, C replaced by A.
Protein change: p.Thr86Lys; replaces threonine 86 with lysine.
Molecular consequence: missense variant. On other transcripts: non-coding transcript variant (2).
Genome position (GRCh38, 1-based): chr17:58,695,042, C>A. VCF-style: chr17-58695042-C-A. GRCh37 (hg19) VCF-style: chr17-56772403-C-A.
Other names: c.257C>A, p.Thr86Lys (NM_002876.4, NM_058217.1); short protein forms T86K.
Identifiers: ClinVar variation 2764935 (VCV002764935.3), dbSNP rs876658986, ClinGen allele CA400340482.